The following is an entry in ClinVar:

ClinVar aggregate classification (germline): Conflicting classifications of pathogenicity. Review status: criteria provided, conflicting classifications (1 of 4 stars). 4 submissions from 4 submitters: Uncertain significance (1); Likely benign (2). 1 of the submissions does not count toward it. Last evaluated 2026-01-26.

Conditions:
Sanfilippo syndrome. Also called: Mucopolysaccharidosis Type III; Mucopolysaccharidosis type 3; Sanfilippo disease. Identifiers: Orphanet 581, MedGen C0026706, MONDO:0018937.
Mucopolysaccharidosis, MPS-III-D (MPS3D). Also called: MPS III D; Mucopoly-saccharidosis type 3D; N-acetylglucosamine-6-sulfate sulfatase deficiency; MPS 3D; MUCOPOLYSACCHARIDOSIS, TYPE IIID; N-ACETYLGLUCOSAMINE-6-SULFATASE DEFICIENCY. Identifiers: Orphanet 581, Orphanet 79272, MedGen C0086650, MONDO:0009658, OMIM 252940.
GNS-related disorder. Also called: GNS-related condition.

Allele frequency attached by ClinVar (database versions not stated): gnomAD exomes 0.00006; TOPMed 0.00046; 1000 Genomes Project 0.00060; ESP Exome Variant Server 0.00016; 1000 Genomes Project 30x 0.00047; gnomAD 0.00043 and 0.00041; ExAC 0.00025.
gnomAD v4.1: 106 of 1,554,702 alleles (0.0068%); highest among the groups gnomAD compares: African/African-American, 0.14%; no homozygotes.

Submissions (4):

PreventionGenetics, part of Exact Sciences
Classification: Likely benign for GNS-related condition. Last evaluated: 2026-01-26. Review status: criteria provided, single submitter. Criteria: ACMG Guidelines, 2015. Collection method: clinical testing. Allele origin: germline.
Comment: This variant is classified as likely benign based on ACMG/AMP sequence variant interpretation guidelines (Richards et al. 2015 PMID: 25741868, with internal and published modifications).

Labcorp Genetics (formerly Invitae), Labcorp
Classification: Likely benign for Mucopolysaccharidosis, MPS-III-D. Last evaluated: 2026-01-05. Review status: criteria provided, single submitter. Criteria: Invitae Variant Classification Sherloc (09022015). Collection method: clinical testing. Allele origin: germline.

Breakthrough Genomics
Classification: Uncertain significance. Review status: criteria provided, single submitter. Criteria: ACMG Guidelines, 2015. Collection method: not provided. Allele origin: germline. Inheritance: Autosomal recessive inheritance. Affected: yes.

Natera, Inc.
Classification: Uncertain significance for Sanfilippo disease. Last evaluated: 2020-01-17. Review status: no assertion criteria provided. Collection method: clinical testing. Allele origin: germline. Not counted in ClinVar's aggregate classification.

NM_002076.4(GNS):c.117G>T (p.Gly39=)

Gene: GNS (glucosamine (N-acetyl)-6-sulfatase; minus strand). Cytogenetic location: 12q14.3.
Variant type: single nucleotide variant.
Coding change: c.117G>T on transcript NM_002076.4 (MANE Select); coding-DNA position 117, G replaced by T.
Protein change: p.Gly39=; no amino-acid change (glycine 39 retained).
Molecular consequence: synonymous variant.
Genome position (GRCh38, 1-based): chr12:64,759,160, C>A on the plus strand (G>T on the coding strand, the complement: GNS is on the minus strand). VCF-style: chr12-64759160-C-A. GRCh37 (hg19) VCF-style: chr12-65152940-C-A.
Identifiers: ClinVar variation 943917 (VCV000943917.9), dbSNP rs371407400, ClinGen allele CA6670045.
Genomic context (GRCh38, chr12:64,759,160, plus strand): 5'-TTCGTCCTGGTCGTCCGTGAGGAGCAGCACCACGTTGGGCCTCCGGGTTCCCGCAGCCAC[C>A]CCGAAGACCCCCAGGCAGCCGCCCAGCACCAGCAGTAGCAGCGCTGGGCTGCAGGAGGGC-3'
Protein context (NP_002067.1, residues 29-49): LVLGGCLGVF[Gly39=]VAAGTRRPNV